The following is an entry in ClinVar:

ClinVar aggregate classification (germline): Uncertain significance (1 of 4 stars; one submission).

Allele frequency attached by ClinVar (database versions not stated): gnomAD exomes 0.00001; ExAC 0.00002.

Submission:

Labcorp Genetics (formerly Invitae), Labcorp
Classification: Uncertain significance. Last evaluated: 2022-10-26. Review status: criteria provided, single submitter. Criteria: Invitae Variant Classification Sherloc (09022015). Collection method: clinical testing. Allele origin: germline.
Comment: This sequence change replaces asparagine, which is neutral and polar, with serine, which is neutral and polar, at codon 414 of the ITGAM protein (p.Asn414Ser). This variant is present in population databases (rs777189139, gnomAD 0.003%). This variant has not been reported in the literature in individuals affected with ITGAM-related conditions. Algorithms developed to predict the effect of missense changes on protein structure and function output the following: SIFT: "Tolerated"; PolyPhen-2: "Benign"; Align-GVGD: "Class C0". The serine amino acid residue is found in multiple mammalian species, which suggests that this missense change does not adversely affect protein function. In summary, the available evidence is currently insufficient to determine the role of this variant in disease. Therefore, it has been classified as a Variant of Uncertain Significance.

NM_000632.4(ITGAM):c.1241A>G (p.Asn414Ser)

Gene: ITGAM (integrin subunit alpha M; plus strand). Cytogenetic location: 16p11.2.
Variant type: single nucleotide variant.
Coding change: c.1241A>G on transcript NM_000632.4 (MANE Select); coding-DNA position 1241, A replaced by G.
Protein change: p.Asn414Ser; replaces asparagine 414 with serine.
Molecular consequence: missense variant.
Genome position (GRCh38, 1-based): chr16:31,277,994, A>G. VCF-style: chr16-31277994-A-G. GRCh37 (hg19) VCF-style: chr16-31289315-A-G.
Other names: c.1241A>G, p.Asn414Ser (NM_001145808.2); short protein forms N414S.
Identifiers: ClinVar variation 1941813 (VCV001941813.5), dbSNP rs777189139, ClinGen allele CA8025481.